The following is an entry in ClinVar:

ClinVar aggregate classification (germline): Pathogenic. Review status: criteria provided, multiple submitters, no conflicts (2 of 4 stars). 2 submissions from 2 submitters: Pathogenic (2). Last evaluated 2025-10-31.

Conditions:
GNPTG-mucolipidosis. Also called: Mucolipidosis type III gamma; ML III GAMMA; ML IIIC; MUCOLIPIDOSIS III, COMPLEMENTATION GROUP C; MUCOLIPIDOSIS III, IRANIAN VARIANT FORM; MUCOLIPIDOSIS III, VARIANT FORM. Identifiers: Orphanet 423470, Orphanet 577, MedGen C1854896, MONDO:0009652, OMIM 252605.

Submissions (2):

Labcorp Genetics (formerly Invitae), Labcorp
Classification: Pathogenic. Last evaluated: 2025-10-31. Review status: criteria provided, single submitter. Criteria: Invitae Variant Classification Sherloc (09022015). Collection method: clinical testing. Allele origin: germline.
Comment: This sequence change creates a premature translational stop signal (p.Ala160Valfs*40) in the GNPTG gene. It is expected to result in an absent or disrupted protein product. Loss-of-function variants in GNPTG are known to be pathogenic (PMID: 19370764, 20301784). This variant is present in population databases (rs753596034, gnomAD 0.003%). This premature translational stop signal has been observed in individual(s) with mucolipidosis type III gamma (PMID: 30235039). It has also been observed to segregate with disease in related individuals. ClinVar contains an entry for this variant (Variation ID: 960425). For these reasons, this variant has been classified as Pathogenic.

Revvity Omics, Revvity
Classification: Pathogenic for GNPTG-mucolipidosis. Last evaluated: 2019-07-25. Review status: criteria provided, single submitter. Criteria: ACMG Guidelines, 2015. Collection method: clinical testing. Allele origin: germline.

Literature cited by the submitters: PubMed 19370764 (cited by Labcorp Genetics (formerly Invitae), Labcorp); PubMed 20301784 (cited by Labcorp Genetics (formerly Invitae), Labcorp); PubMed 30235039 (cited by Labcorp Genetics (formerly Invitae), Labcorp).

NM_032520.5(GNPTG):c.478_479insTAGG (p.Ala160fs)

Gene: GNPTG (N-acetylglucosamine-1-phosphate transferase subunit gamma; plus strand). Cytogenetic location: 16p13.3.
Variant type: Insertion.
Coding change: c.478_479insTAGG on transcript NM_032520.5 (MANE Select); coding-DNA positions 478 to 479, TAGG inserted.
Protein change: p.Ala160fs; shifts the reading frame from alanine 160.
Molecular consequence: frameshift variant.
Genome position: GRCh38 VCF-style: chr16-1362271-C-CGTAG. GRCh37 (hg19) VCF-style: chr16-1412272-C-CGTAG.
Other names: short protein forms A160fs.
Identifiers: ClinVar variation 960425 (VCV000960425.13), dbSNP rs753596034, ClinGen allele CA7807719.
Genomic context (GRCh38, chr16:1,362,271, plus strand): 5'-GCTGGCGTGTGGAAAAAGCAACCGGCTGGCCCATGTGTCCGAGCCGAGCACCTGCGTCTA[C>CGTAG]GCGCTGACGTTCGAGACCCCCCTCGTCTGCCACCCCCACGCCTTGCTAGGTAGGGGTGCG-3'